The following is an entry in ClinVar:

NM_001098.3(ACO2):c.1927G>A (p.Val643Ile)

Genes: POLR3H (RNA polymerase III subunit H; minus strand), ACO2 (aconitase 2; plus strand). Cytogenetic location: 22q13.2.
Variant type: single nucleotide variant.
Coding change: c.1927G>A on transcript NM_001098.3 (MANE Select); coding-DNA position 1927, G replaced by A.
Protein change: p.Val643Ile; replaces valine 643 with isoleucine.
Molecular consequence: missense variant. On other transcripts: 3 prime UTR variant (5).
Genome position (GRCh38, 1-based): chr22:41,526,427, G>A. VCF-style: chr22-41526427-G-A. GRCh37 (hg19) VCF-style: chr22-41922431-G-A.
Other names: c.*2856C>T (NM_001018050.4, NM_001018052.4, NM_001282884.2 and 2 more transcripts); short protein forms V643I.
Identifiers: ClinVar variation 64476 (VCV000064476.6), dbSNP rs387907390, ClinGen allele CA216227.

ClinVar aggregate classification (germline): Uncertain significance. Review status: criteria provided, single submitter (1 of 4 stars). 2 submissions from 2 submitters: Uncertain significance (1). 1 of the submissions does not count toward it. Last evaluated 2024-02-17.

Allele frequency attached by ClinVar (database versions not stated): gnomAD exomes 0.00001 and 0.00002; TOPMed 0.00002; gnomAD 0.00003.
gnomAD v4.1: 22 of 1,613,350 alleles (0.0014%); highest among the groups gnomAD compares: African/African-American, 0.004%; no homozygotes.

Submissions (2):

Labcorp Genetics (formerly Invitae), Labcorp
Classification: Uncertain significance. Last evaluated: 2024-02-17. Review status: criteria provided, single submitter. Criteria: Invitae Variant Classification Sherloc (09022015). Collection method: clinical testing. Allele origin: germline.
Comment: This sequence change replaces valine, which is neutral and non-polar, with isoleucine, which is neutral and non-polar, at codon 643 of the ACO2 protein (p.Val643Ile). This variant is present in population databases (rs387907390, gnomAD 0.007%). This variant has not been reported in the literature in individuals affected with ACO2-related conditions. ClinVar contains an entry for this variant (Variation ID: 64476). Advanced modeling of protein sequence and biophysical properties (such as structural, functional, and spatial information, amino acid conservation, physicochemical variation, residue mobility, and thermodynamic stability) performed at Invitae indicates that this missense variant is not expected to disrupt ACO2 protein function with a negative predictive value of 80%. In summary, the available evidence is currently insufficient to determine the role of this variant in disease. Therefore, it has been classified as a Variant of Uncertain Significance.

Martin Pollak Laboratory,  Beth Israel Deaconess Medical Center
Classification: Uncertain significance. Review status: no assertion criteria provided. Collection method: not provided. Allele origin: unknown. Not counted in ClinVar's aggregate classification.
Comment: Higher UCa2+ group
ClinVar note: Converted during submission from unknown to Uncertain significance.